The following is an entry in ClinVar:

NM_001199973.2(RPL36A-HNRNPH2):c.300+6148G>A

Genes: GLA (galactosidase alpha; minus strand), RPL36A-HNRNPH2 (RPL36A-HNRNPH2 readthrough; plus strand). Cytogenetic location: Xq22.1.
Variant type: single nucleotide variant.
Coding change: c.300+6148G>A on transcript NM_001199973.2; 6148 bases into the intron after coding-DNA position 300, G replaced by A.
Molecular consequence: intron variant. On other transcripts: missense variant (1).
Genome position (GRCh38, 1-based): chrX:101,401,605, G>A. VCF-style: chrX-101401605-G-A. GRCh37 (hg19) VCF-style: chrX-100656593-G-A.
Other names: c.697C>T, p.His233Tyr (NM_001406749.1); c.177+9783G>A (NM_001199974.2); c.547+27C>T (NM_000169.3, NM_001406748.1); c.670+27C>T (NM_001406747.1); short protein forms H233Y.
Identifiers: ClinVar variation 3030508 (VCV003030508.2), dbSNP rs201275759, ClinGen allele CA031189.

ClinVar aggregate classification (germline): Likely benign (0 of 4 stars; one submission).

Conditions:
RPL36A-HNRNPH2-related disorder. Also called: RPL36A-HNRNPH2-related condition.

Allele frequency attached by ClinVar (database versions not stated): gnomAD exomes 0.00001; gnomAD 0.00002; TOPMed 0.00002; ExAC 0.00003; 1000 Genomes Project 30x 0.00021; 1000 Genomes Project 0.00026.
gnomAD v4.1: 9 of 1,183,975 alleles (0.00076%); highest among the groups gnomAD compares: Admixed American, 0.0088%; no homozygotes.

Submission:

PreventionGenetics, part of Exact Sciences
Classification: Likely benign for RPL36A-HNRNPH2-related condition. Last evaluated: 2023-06-30. Review status: no assertion criteria provided. Collection method: clinical testing. Allele origin: germline.
Comment: This variant is classified as likely benign based on ACMG/AMP sequence variant interpretation guidelines (Richards et al. 2015 PMID: 25741868, with internal and published modifications).